The following is an entry in ClinVar:

NM_001376232.1(ZP2):c.720G>A (p.Val240=)

Gene: ZP2 (zona pellucida glycoprotein 2; minus strand). Cytogenetic location: 16p12.2.
Variant type: single nucleotide variant.
Coding change: c.720G>A on transcript NM_001376232.1 (MANE Select); coding-DNA position 720, G replaced by A.
Protein change: p.Val240=; no amino-acid change (valine 240 retained).
Molecular consequence: synonymous variant. On other transcripts: non-coding transcript variant (1).
Genome position (GRCh38, 1-based): chr16:21,204,378, C>T on the plus strand (G>A on the coding strand, the complement: ZP2 is on the minus strand). VCF-style: chr16-21204378-C-T. GRCh37 (hg19) VCF-style: chr16-21215699-C-T.
Other names: c.720G>A, p.Val240= (NM_001376231.1, NM_001376233.1, NM_003460.2).
Identifiers: ClinVar variation 2646306 (VCV002646306.24), dbSNP rs768379573, ClinGen allele CA7949962.

ClinVar aggregate classification (germline): Likely benign (1 of 4 stars; one submission).

Allele frequency attached by ClinVar (database versions not stated): gnomAD 0.00001; gnomAD exomes 0.00001; TOPMed 0.00001; ExAC 0.00002.
gnomAD v4.1: 12 of 1,613,924 alleles (0.00074%); highest among the groups gnomAD compares: Middle Eastern, 0.033%; no homozygotes.

Submission:

CeGaT Center for Human Genetics Tuebingen
Classification: Likely benign. Last evaluated: 2023-03-01. Review status: criteria provided, single submitter. Criteria: CeGaT Center For Human Genetics Tuebingen Variant Classification Criteria Version 2. Collection method: clinical testing. Allele origin: germline. Affected: yes. Observed: 1 variant allele.
Comment: ZP2: BP4, BP7